The following is an entry in ClinVar:

NM_015450.3(POT1):c.298G>A (p.Gly100Ser)

Gene: POT1 (protection of telomeres 1; minus strand). Cytogenetic location: 7q31.33.
Variant type: single nucleotide variant.
Coding change: c.298G>A on transcript NM_015450.3 (MANE Select); coding-DNA position 298, G replaced by A.
Protein change: p.Gly100Ser; replaces glycine 100 with serine.
Molecular consequence: missense variant. On other transcripts: 5 prime UTR variant (1), non-coding transcript variant (3).
Genome position (GRCh38, 1-based): chr7:124,863,598, C>T on the plus strand (G>A on the coding strand, the complement: POT1 is on the minus strand). VCF-style: chr7-124863598-C-T. GRCh37 (hg19) VCF-style: chr7-124503652-C-T.
Other names: c.-96G>A (NM_001042594.2); short protein forms G100S.
Identifiers: ClinVar variation 851005 (VCV000851005.15), dbSNP rs1377594973, ClinGen allele CA369060327.

ClinVar aggregate classification (germline): Uncertain significance. Review status: criteria provided, multiple submitters, no conflicts (2 of 4 stars). 2 submissions from 2 submitters: Uncertain significance (2). Last evaluated 2025-12-08.

Conditions:
Tumor predisposition syndrome 3 (TPDS3). Also called: Melanoma, cutaneous malignant, susceptibility to, 10; Glioma susceptibility 9; LONG TELOMERE SYNDROME, POT1-RELATED; POT1 Tumor Predisposition. Identifiers: Orphanet 618, MedGen C4014476, MONDO:0014368, OMIM 615848.
Hereditary cancer-predisposing syndrome. Also called: Neoplastic Syndromes, Hereditary; Hereditary neoplastic syndrome; Tumor predisposition; Hereditary Cancer Syndrome. Identifiers: Orphanet 140162, MedGen C0027672, MeSH D009386, MONDO:0015356.

Allele frequency attached by ClinVar (database versions not stated): gnomAD 0.00001.
gnomAD v4.1: 1 of 1,613,634 alleles (0.000062%); highest among the groups gnomAD compares: African/African-American, 0.0013%; no homozygotes.

Submissions (2):

Labcorp Genetics (formerly Invitae), Labcorp
Classification: Uncertain significance for Tumor predisposition syndrome 3. Last evaluated: 2025-12-08. Review status: criteria provided, single submitter. Criteria: Invitae Variant Classification Sherloc (09022015). Collection method: clinical testing. Allele origin: germline.
Comment: This sequence change replaces glycine, which is neutral and non-polar, with serine, which is neutral and polar, at codon 100 of the POT1 protein (p.Gly100Ser). This variant is present in population databases (no rsID available, gnomAD 0.01%). This variant has not been reported in the literature in individuals affected with POT1-related conditions. ClinVar contains an entry for this variant (Variation ID: 851005). Invitae Evidence Modeling of protein sequence and biophysical properties (such as structural, functional, and spatial information, amino acid conservation, physicochemical variation, residue mobility, and thermodynamic stability) indicates that this missense variant is not expected to disrupt POT1 protein function with a negative predictive value of 80%. In summary, the available evidence is currently insufficient to determine the role of this variant in disease. Therefore, it has been classified as a Variant of Uncertain Significance.

Ambry Genetics
Classification: Uncertain significance for Hereditary cancer-predisposing syndrome. Last evaluated: 2023-04-25. Review status: criteria provided, single submitter. Criteria: Ambry Variant Classification Scheme 2023. Collection method: clinical testing. Allele origin: germline.
Comment: The p.G100S variant (also known as c.298G>A), located in coding exon 4 of the POT1 gene, results from a G to A substitution at nucleotide position 298. The glycine at codon 100 is replaced by serine, an amino acid with similar properties. This amino acid position is conserved. In addition, the in silico prediction for this alteration is inconclusive. Since supporting evidence is limited at this time, the clinical significance of this alteration remains unclear.